The following is an entry in ClinVar:

ClinVar aggregate classification (germline): Pathogenic/Likely pathogenic. Review status: criteria provided, multiple submitters, no conflicts (2 of 4 stars). 2 submissions from 2 submitters: Pathogenic (1); Likely pathogenic (1). Last evaluated 2025-12-23.

Conditions:
RAG1-related disorder. Also called: RAG1-related disorders; RAG1-related condition.
Combined immunodeficiency with skin granulomas. Identifiers: Orphanet 157949, MedGen C2673536, MONDO:0009306, OMIM 233650.
Severe combined immunodeficiency, autosomal recessive, T cell-negative, B cell-negative, NK cell-positive. Also called: Severe combined immunodeficiency due to complete RAG1/2 deficiency; SCID, AR, T-cell negative, B-cell negative, NK cell-positive; SCID, T CELL-NEGATIVE, B CELL-NEGATIVE, NK CELL-POSITIVE. Identifiers: Orphanet 331206, MedGen C1832322, MONDO:0011086, OMIM 601457.

Allele frequency attached by ClinVar (database versions not stated): gnomAD exomes below 0.00001.

Submissions (2):

Labcorp Genetics (formerly Invitae), Labcorp
Classification: Pathogenic for Combined immunodeficiency with skin granulomas; Severe combined immunodeficiency, autosomal recessive, T cell-negative, B cell-negative, NK cell-positive. Last evaluated: 2025-12-23. Review status: criteria provided, single submitter. Criteria: Invitae Variant Classification Sherloc (09022015). Collection method: clinical testing. Allele origin: germline.
Comment: This sequence change creates a premature translational stop signal (p.Ile113Hisfs*7) in the RAG1 gene. While this is not anticipated to result in nonsense mediated decay, it is expected to disrupt the last 931 amino acid(s) of the RAG1 protein. This variant is present in population databases (rs4151026, gnomAD 0.003%). This variant has not been reported in the literature in individuals affected with RAG1-related conditions. ClinVar contains an entry for this variant (Variation ID: 2934261). This variant disrupts a region of the RAG1 protein in which other variant(s) (p.R959*) have been determined to be pathogenic (PMID: 11133745, 24290284, 24406074). This suggests that this is a clinically significant region of the protein, and that variants that disrupt it are likely to be disease-causing. For these reasons, this variant has been classified as Pathogenic.

Blueprint Genetics
Classification: Likely pathogenic for RAG1-related disorders. Last evaluated: 2019-11-28. Review status: criteria provided, single submitter. Criteria: ACMG Guidelines, 2015. Collection method: clinical testing. Allele origin: germline. Affected: yes. Observed: 1 variant allele.

Literature cited by the submitters: PubMed 11133745 (cited by Labcorp Genetics (formerly Invitae), Labcorp); PubMed 24290284 (cited by Labcorp Genetics (formerly Invitae), Labcorp); PubMed 24406074 (cited by Labcorp Genetics (formerly Invitae), Labcorp).

NM_000448.3(RAG1):c.336dup (p.Ile113fs)

Gene: RAG1 (recombination activating 1; plus strand). Cytogenetic location: 11p12.
Variant type: Duplication.
Coding change: c.336dup on transcript NM_000448.3 (MANE Select); coding-DNA position 336, one base duplicated (C; older notation c.336dupC).
Protein change: p.Ile113fs; shifts the reading frame from isoleucine 113.
Molecular consequence: frameshift variant.
Genome position (GRCh38, 1-based): chr11:36,573,640, C duplicated. VCF-style (leftmost placement, unchanged base first): chr11-36573639-G-GC. GRCh37 (hg19) VCF-style: chr11-36595189-G-GC.
Other names: c.336dup, p.Ile113fs (NM_001377277.1, NM_001377278.1, NM_001377279.1 and 1 more transcripts); short protein forms I113fs.
Identifiers: ClinVar variation 2934261 (VCV002934261.4), dbSNP rs4151026, ClinGen allele CA220600114.